The following is an entry in ClinVar:

ClinVar aggregate classification (germline): Uncertain significance. Review status: reviewed by expert panel (3 of 4 stars). 2 submissions from 2 submitters: Uncertain significance (1). 1 of the submissions does not count toward it. Last evaluated 2024-06-06.

Conditions:
Glanzmann thrombasthenia. Also called: BLEEDING DISORDER, PLATELET-TYPE, 2; THROMBASTHENIA OF GLANZMANN AND NAEGELI; Thrombasthenia; PLATELET GLYCOPROTEIN IIb-IIIa DEFICIENCY; Glanzmann's thrombasthenia. Identifiers: Orphanet 849, MedGen C0040015, MONDO:0100326.

Submissions (2):

ClinGen Platelet Disorders Variant Curation Expert Panel, ClinGen
Classification: Uncertain significance for Glanzmann thrombasthenia. Last evaluated: 2024-06-06. Review status: reviewed by expert panel. Criteria: ClinGen Platelet ACMG Specifications v2-1. Collection method: curation. Allele origin: germline. Inheritance: Autosomal recessive inheritance.
Comment: The NM_000419.5(ITGA2B):c.1440-1G>A splice variant is predicted to result in the loss of exon 15 causing an in-frame deletion of 35 amino acids. This occurs in the the critical ligand binding extracellular domain (PVS1_Strong). This variant is absent from gnomAD v4.0 (PM2_Supporting). It reported in one patient stated to have a disease of platelet function (PMID: 31064749) but information was insufficient or inconsistent to apply any evidence for this patient. In summary, based on the evidence available at this time, the variant is classified as uncertain significance. GT-specific criteria applied: PVS1_strong, PM2_supporting.

NIHR Bioresource Rare Diseases, University of Cambridge
Classification: Pathogenic for Glanzmann thrombasthenia 1. Last evaluated: 2019-02-01. Review status: criteria provided, single submitter. Criteria: ACMG Guidelines, 2015. Collection method: research. Allele origin: unknown. Affected: yes. Observed: 1 compound heterozygote. Study: ThromboGenomics. Not counted in ClinVar's aggregate classification.

Literature cited by the submitters: PubMed 31064749 (cited by NIHR Bioresource Rare Diseases, University of Cambridge).

NM_000419.5(ITGA2B):c.1440-1G>A

Gene: ITGA2B (integrin subunit alpha 2b; minus strand). Cytogenetic location: 17q21.31.
Variant type: single nucleotide variant.
Coding change: c.1440-1G>A on transcript NM_000419.5 (MANE Select); the canonical splice acceptor site of the intron before coding-DNA position 1440, G replaced by A.
Molecular consequence: splice acceptor variant.
Genome position (GRCh38, 1-based): chr17:44,380,491, C>T on the plus strand (G>A on the coding strand, the complement: ITGA2B is on the minus strand). VCF-style: chr17-44380491-C-T. GRCh37 (hg19) VCF-style: chr17-42457859-C-T.
Identifiers: ClinVar variation 627239 (VCV000627239.4), dbSNP rs1598379928, ClinGen allele CA399802917.